The following is an entry in ClinVar:

NM_020944.3(GBA2):c.2699G>A (p.Trp900Ter)

Gene: GBA2 (glucosylceramidase beta 2; minus strand). Cytogenetic location: 9p13.3.
Variant type: single nucleotide variant.
Coding change: c.2699G>A on transcript NM_020944.3 (MANE Select); coding-DNA position 2699, G replaced by A.
Protein change: p.Trp900Ter; replaces tryptophan 900 with a stop codon.
Molecular consequence: nonsense. On other transcripts: 3 prime UTR variant (1).
Genome position (GRCh38, 1-based): chr9:35,737,254, C>T on the plus strand (G>A on the coding strand, the complement: GBA2 is on the minus strand). VCF-style: chr9-35737254-C-T. GRCh37 (hg19) VCF-style: chr9-35737251-C-T.
Other names: c.*222G>A (NM_001330660.2); short protein forms W900*.
Identifiers: ClinVar variation 659775 (VCV000659775.11), dbSNP rs767031907, ClinGen allele CA5050023.

ClinVar aggregate classification (germline): Uncertain significance. Review status: criteria provided, multiple submitters, no conflicts (2 of 4 stars). 2 submissions from 2 submitters: Uncertain significance (2). Last evaluated 2020-08-18.

Conditions:
Hereditary spastic paraplegia. Also called: Familial spastic paraparesis. Identifiers: Orphanet 685, MedGen C0037773, MONDO:0019064. Disease mechanism: loss of function.
Spastic paraplegia. Identifiers: MedGen C0037772, HP:0001258.

Allele frequency attached by ClinVar (database versions not stated): gnomAD 0.00001; ExAC 0.00002; gnomAD exomes 0.00002 and 0.00003; TOPMed 0.00002.
gnomAD v4.1: 43 of 1,613,820 alleles (0.0027%); highest among the groups gnomAD compares: Admixed American, 0.005%; no homozygotes.

Submissions (2):

Genome Diagnostics Laboratory, The Hospital for Sick Children
Classification: Uncertain significance for Hereditary spastic paraplegia. Last evaluated: 2020-08-18. Review status: criteria provided, single submitter. Criteria: ACMG Guidelines, 2015. Collection method: clinical testing. Allele origin: germline. Affected: yes.

Labcorp Genetics (formerly Invitae), Labcorp
Classification: Uncertain significance for Spastic paraplegia. Last evaluated: 2018-11-22. Review status: criteria provided, single submitter. Criteria: Invitae Variant Classification Sherloc (09022015). Collection method: clinical testing. Allele origin: germline.
Comment: In summary, the available evidence is currently insufficient to determine the role of this variant in disease. Therefore, it has been classified as a Variant of Uncertain Significance. Experimental studies and prediction algorithms are not available for this variant, and the functional significance of the affected amino acid(s) is currently unknown. This variant has not been reported in the literature in individuals with GBA2-related conditions. This variant is present in population databases (rs767031907, ExAC 0.009%). This sequence change results in a premature translational stop signal in the GBA2 gene (p.Trp900*). While this is not anticipated to result in nonsense mediated decay, it is expected to disrupt the last 28 amino acids of the GBA2 protein.